The following is an entry in ClinVar:

ClinVar aggregate classification (germline): Pathogenic. Review status: criteria provided, multiple submitters, no conflicts (2 of 4 stars). 2 submissions from 2 submitters: Pathogenic (2). Last evaluated 2024-05-08.

Conditions:
Cutis laxa, X-linked (OHS). Also called: EDS IX; Occipital horn syndrome. Identifiers: Orphanet 198, MedGen C0268353, MONDO:0010572, OMIM 304150.
Menkes kinky-hair syndrome (MNK). Also called: Classic Menkes Disease; Copper transport disease; Menkes Disease. Identifiers: Orphanet 565, MedGen C0022716, MONDO:0010651, OMIM 309400.
X-linked distal spinal muscular atrophy type 3. Also called: ATP7A-Related Distal Motor Neuropathy; SPINAL MUSCULAR ATROPHY, DISTAL, X-LINKED RECESSIVE; NEURONOPATHY, DISTAL HEREDITARY MOTOR, X-LINKED; NEUROPATHY, DISTAL HEREDITARY MOTOR, X-LINKED. Identifiers: Orphanet 139557, MedGen C1845359, MONDO:0010338, OMIM 300489.

Submissions (2):

Myriad Genetics, Inc.
Classification: Pathogenic for Menkes kinky-hair syndrome. Last evaluated: 2024-05-08. Review status: criteria provided, single submitter. Criteria: Myriad Autosomal Dominant, Autosomal Recessive and X-Linked Classification Criteria (2023). Collection method: clinical testing. Allele origin: unknown.
Comment: NM_000052.5(ATP7A):c.169C>T(Q57*) is expected to be pathogenic in the context of ATP7A-related disorders. This variant is predicted to lead to an abnormal or absent protein product due to the creation of a premature termination codon in ATP7A, a gene where loss-of-function variants are known to be pathogenic. Please note: this variant was assessed in the context of healthy population screening.

Labcorp Genetics (formerly Invitae), Labcorp
Classification: Pathogenic for X-linked distal spinal muscular atrophy type 3; Cutis laxa, X-linked; Menkes kinky-hair syndrome. Last evaluated: 2022-06-12. Review status: criteria provided, single submitter. Criteria: Invitae Variant Classification Sherloc (09022015). Collection method: clinical testing. Allele origin: germline.
Comment: For these reasons, this variant has been classified as Pathogenic. This variant has not been reported in the literature in individuals affected with ATP7A-related conditions. This variant is not present in population databases (gnomAD no frequency). This sequence change creates a premature translational stop signal (p.Gln57*) in the ATP7A gene. It is expected to result in an absent or disrupted protein product. Loss-of-function variants in ATP7A are known to be pathogenic (PMID: 11241493, 20652413).

Literature cited by the submitters: PubMed 11241493 (cited by Labcorp Genetics (formerly Invitae), Labcorp); PubMed 20652413 (cited by Labcorp Genetics (formerly Invitae), Labcorp).

NM_000052.7(ATP7A):c.169C>T (p.Gln57Ter)

Gene: ATP7A (ATPase copper transporting alpha; plus strand). Cytogenetic location: Xq21.1.
Variant type: single nucleotide variant.
Coding change: c.169C>T on transcript NM_000052.7 (MANE Select); coding-DNA position 169, C replaced by T.
Protein change: p.Gln57Ter; replaces glutamine 57 with a stop codon.
Molecular consequence: nonsense.
Genome position (GRCh38, 1-based): chrX:77,988,290, C>T. VCF-style: chrX-77988290-C-T. GRCh37 (hg19) VCF-style: chrX-77243786-C-T.
Other names: c.169C>T, p.Gln57Ter (NM_001282224.2); short protein forms Q57*.
Identifiers: ClinVar variation 2005118 (VCV002005118.5), dbSNP rs2522288858, ClinGen allele CA413598883.